The following is an entry in ClinVar:

GRCh38/hg38 1q21.1-21.2(chr1:145215697-149076087)x1

Genes: ACP6 (acid phosphatase 6, lysophosphatidic; minus strand), ANKRD34A (ankyrin repeat domain 34A; minus strand), ANKRD35 (ankyrin repeat domain 35; minus strand), ANKRD35-DT (ANKRD35 divergent transcript; plus strand), BCL9 (BCL9 transcription coactivator; plus strand) and 144 more. Cytogenetic location: 1q21.1-21.2.
Variant type: copy number loss.
Change: copy number 1 (one copy instead of two) of chr1:145,215,697-149,076,087 (3.86 Mb, GRCh38 coordinates, 1-based), cytogenetic band 1q21.1-21.2.
Identifiers: ClinVar variation 160952 (VCV000160952.1).

ClinVar aggregate classification (germline): Pathogenic (1 of 4 stars; one submission).

Submission:

ISCA site 4
Classification: Pathogenic. Last evaluated: 2011-08-12. Review status: criteria provided, single submitter. Criteria: Kaminsky et al. (Genet Med. 2011). Collection method: clinical testing. Allele origin: unknown. Affected: yes. Observed: 1 variant allele.
Comment: Copy number variation identified through the course of routine clinical cytogenomic testing in postnatal populations. Clinical assertions have been curated as described in Kaminsky et al. 2011.